The following is an entry in ClinVar:

ClinVar aggregate classification (germline): Uncertain significance. Review status: criteria provided, multiple submitters, no conflicts (2 of 4 stars). 2 submissions from 2 submitters: Uncertain significance (2). Last evaluated 2025-06-06.

Conditions:
Inborn genetic diseases. Identifiers: MedGen C0950123, MeSH D030342.

Allele frequency attached by ClinVar (database versions not stated): gnomAD 0.00001.

Submissions (2):

Ambry Genetics
Classification: Uncertain significance for Inborn genetic diseases. Last evaluated: 2025-06-06. Review status: criteria provided, single submitter. Criteria: Ambry Variant Classification Scheme 2023. Collection method: clinical testing. Allele origin: germline.

Labcorp Genetics (formerly Invitae), Labcorp
Classification: Uncertain significance. Last evaluated: 2022-04-01. Review status: criteria provided, single submitter. Criteria: Invitae Variant Classification Sherloc (09022015). Collection method: clinical testing. Allele origin: germline.
Comment: In summary, the available evidence is currently insufficient to determine the role of this variant in disease. Therefore, it has been classified as a Variant of Uncertain Significance. Algorithms developed to predict the effect of missense changes on protein structure and function (SIFT, PolyPhen-2, Align-GVGD) all suggest that this variant is likely to be tolerated. This variant has not been reported in the literature in individuals affected with WDR62-related conditions. This variant is not present in population databases (gnomAD no frequency). This sequence change replaces proline, which is neutral and non-polar, with leucine, which is neutral and non-polar, at codon 19 of the WDR62 protein (p.Pro19Leu).

NM_001083961.2(WDR62):c.56C>T (p.Pro19Leu)

Gene: WDR62 (WD repeat domain 62; plus strand). Cytogenetic location: 19q13.12.
Variant type: single nucleotide variant.
Coding change: c.56C>T on transcript NM_001083961.2 (MANE Select); coding-DNA position 56, C replaced by T.
Protein change: p.Pro19Leu; replaces proline 19 with leucine.
Molecular consequence: missense variant.
Genome position (GRCh38, 1-based): chr19:36,055,027, C>T. VCF-style: chr19-36055027-C-T. GRCh37 (hg19) VCF-style: chr19-36545929-C-T.
Other names: c.56C>T (NM_001083961.1); c.56C>T, p.Pro19Leu (NM_001411145.1, NM_001411146.1, NM_001411147.1 and 1 more transcripts); short protein forms P19L.
Identifiers: ClinVar variation 2120676 (VCV002120676.5), dbSNP rs1970272178, ClinGen allele CA405422513.
Genomic context (GRCh38, chr19:36,055,027, plus strand): 5'-TGACGATGGCGGCCGTAGGGTCCGGAGGCTATGCGCGGAACGATGCAGGGGAGAAGCTGC[C>T]CTCTGTCATGGCGGGAGTTCCGGCGCGGAGGGGCCAGTCCTCCCCGCCCCCCGCCCCACC-3'
Protein context (NP_001077430.1, residues 9-29): YARNDAGEKL[Pro19Leu]SVMAGVPARR